The following is an entry in ClinVar:

NM_000093.5(COL5A1):c.597C>G (p.Ile199Met)

Gene: COL5A1 (collagen type V alpha 1 chain; plus strand). Cytogenetic location: 9q34.3.
Variant type: single nucleotide variant.
Coding change: c.597C>G on transcript NM_000093.5 (MANE Select); coding-DNA position 597, C replaced by G.
Protein change: p.Ile199Met; replaces isoleucine 199 with methionine.
Molecular consequence: missense variant.
Genome position (GRCh38, 1-based): chr9:134,701,276, C>G. VCF-style: chr9-134701276-C-G. GRCh37 (hg19) VCF-style: chr9-137593122-C-G.
Other names: p.I199M:ATC>ATG; p.Ile199Met; c.597C>G, p.Ile199Met (NM_001278074.1); short protein forms I199M.
Identifiers: ClinVar variation 213070 (VCV000213070.30), dbSNP rs147008954, ClinGen allele CA320204.

ClinVar aggregate classification (germline): Likely benign. Review status: criteria provided, multiple submitters, no conflicts (2 of 4 stars). 8 submissions from 8 submitters: Likely benign (7). 1 of the submissions does not count toward it. Last evaluated 2026-02-03.

Conditions:
COL5A1-related disorder. Also called: COL5A1-related condition.
Ehlers-Danlos syndrome, classic type, 1 (EDSCL1). Also called: EHLERS-DANLOS SYNDROME, GRAVIS TYPE; EHLERS-DANLOS SYNDROME, SEVERE CLASSIC TYPE; Ehlers-Danlos syndrome, type 1; Ehlers-Danlos Syndrome, Classic Type, COL5A1-Related; EDS I. Identifiers: MedGen C0268335, MONDO:0019567, OMIM 130000.
Familial thoracic aortic aneurysm and aortic dissection (TAAD). Also called: Thoracic aortic aneurysms and dissections. Identifiers: Orphanet 91387, MedGen C4707243, MONDO:0019625.

Allele frequency attached by ClinVar (database versions not stated): 1000 Genomes Project 0.00040; gnomAD 0.00054 and 0.00072; TOPMed 0.00073; 1000 Genomes Project 30x 0.00078; ESP Exome Variant Server 0.00100.
gnomAD v4.1: 438 of 1,614,002 alleles (0.027%); highest among the groups gnomAD compares: African/African-American, 0.19%; 2 homozygotes.

Submissions (8):

Labcorp Genetics (formerly Invitae), Labcorp
Classification: Likely benign for Ehlers-Danlos syndrome, classic type, 1. Last evaluated: 2026-02-03. Review status: criteria provided, single submitter. Criteria: Invitae Variant Classification Sherloc (09022015). Collection method: clinical testing. Allele origin: germline.

Mayo Clinic Laboratories, Mayo Clinic
Classification: Likely benign. Last evaluated: 2025-04-01. Review status: criteria provided, single submitter. Criteria: ACMG Guidelines, 2015. Collection method: clinical testing. Allele origin: germline. Observed: 3 variant alleles.
Comment: BS1

ARUP Laboratories, Molecular Genetics and Genomics, ARUP Laboratories
Classification: Likely benign. Last evaluated: 2024-10-21. Review status: criteria provided, single submitter. Criteria: ARUP Molecular Germline Variant Investigation Process 2024. Collection method: clinical testing. Allele origin: germline.

Blueprint Genetics
Classification: Likely benign. Last evaluated: 2024-08-22. Review status: criteria provided, single submitter. Criteria: ACMG Guidelines, 2015. Collection method: clinical testing. Allele origin: germline.

Women's Health and Genetics/Laboratory Corporation of America, LabCorp
Classification: Likely benign. Last evaluated: 2024-03-06. Review status: criteria provided, single submitter. Criteria: LabCorp Variant Classification Summary - May 2015. Collection method: clinical testing. Allele origin: germline.
Comment: Variant summary: COL5A1 c.597C>G (p.Ile199Met) results in a conservative amino acid change located in the Laminin G domain (IPR001791) of the encoded protein sequence. Three of five in-silico tools predict a benign effect of the variant on protein function. The variant allele was found at a frequency of 0.00035 in 250316 control chromosomes. The observed variant frequency is approximately 11-fold of the estimated maximal expected allele frequency for a pathogenic variant in COL5A1 causing Ehlers-Danlos Syndrome phenotype (3.1e-05), strongly suggesting that the variant is benign. c.597C>G has been reported in the literature in one unspecified individual affected with Ehlers-Danlos Syndrome, without strong evidence for causality (Alfares_2017). These report(s) do not provide unequivocal conclusions about association of the variant with Ehlers-Danlos Syndrome. To our knowledge, no experimental evidence demonstrating an impact on protein function has been reported. The following publications have been ascertained in the context of this evaluation (PMID: 28454995). ClinVar contains an entry for this variant (Variation ID: 213070). Based on the evidence outlined above, the variant was classified as likely benign.

GeneDx
Classification: Likely benign. Last evaluated: 2020-09-28. Review status: criteria provided, single submitter. Criteria: GeneDx Variant Classification Process June 2021. Collection method: clinical testing. Allele origin: germline. Affected: yes.
Comment: This variant is associated with the following publications: (PMID: 28454995, 29924831)

Ambry Genetics
Classification: Likely benign for Familial thoracic aortic aneurysm and aortic dissection. Last evaluated: 2019-11-05. Review status: criteria provided, single submitter. Criteria: Ambry Variant Classification Scheme 2023. Collection method: clinical testing. Allele origin: germline.

PreventionGenetics, part of Exact Sciences
Classification: Likely benign for COL5A1-related condition. Last evaluated: 2023-12-11. Review status: no assertion criteria provided. Collection method: clinical testing. Allele origin: germline. Not counted in ClinVar's aggregate classification.
Comment: This variant is classified as likely benign based on ACMG/AMP sequence variant interpretation guidelines (Richards et al. 2015 PMID: 25741868, with internal and published modifications).

Literature cited by the submitters: PubMed 34426522 (cited by Mayo Clinic Laboratories, Mayo Clinic); PubMed 29924831 (cited by Women's Health and Genetics/Laboratory Corporation of America, LabCorp); PubMed 28454995 (cited by Women's Health and Genetics/Laboratory Corporation of America, LabCorp and Ambry Genetics).